The following is an entry in ClinVar:

ClinVar aggregate classification (germline): Benign/Likely benign. Review status: criteria provided, multiple submitters, no conflicts (2 of 4 stars). 4 submissions from 4 submitters: Benign (1); Likely benign (3). Last evaluated 2025-08-21.

Conditions:
Early-infantile DEE. Also called: Ohtahara syndrome; Early infantile epileptic encephalopathy with suppression bursts; Early infantile epileptic encephalopathy. Identifiers: Orphanet 1934, MedGen C0393706, MONDO:0800491.

Allele frequency attached by ClinVar (database versions not stated): gnomAD exomes 0.00003 and 0.00004; TOPMed 0.00006; ExAC 0.00007; gnomAD 0.00007; 1000 Genomes Project 0.00020; 1000 Genomes Project 30x 0.00031.
gnomAD v4.1: 48 of 1,614,244 alleles (0.003%); highest among the groups gnomAD compares: South Asian, 0.011%; 1 homozygote.

Submissions (4):

Labcorp Genetics (formerly Invitae), Labcorp
Classification: Benign for Early-infantile DEE. Last evaluated: 2025-08-21. Review status: criteria provided, single submitter. Criteria: Invitae Variant Classification Sherloc (09022015). Collection method: clinical testing. Allele origin: germline.

CeGaT Center for Human Genetics Tuebingen
Classification: Likely benign. Last evaluated: 2024-10-01. Review status: criteria provided, single submitter. Criteria: CeGaT Center For Human Genetics Tuebingen Variant Classification Criteria Version 2. Collection method: clinical testing. Allele origin: germline. Affected: yes. Observed: 3 variant alleles.
Comment: GNAO1: BP4, BP7

Blueprint Genetics
Classification: Likely benign. Last evaluated: 2024-03-19. Review status: criteria provided, single submitter. Criteria: ACMG Guidelines, 2015. Collection method: clinical testing. Allele origin: germline.

GeneDx
Classification: Likely benign. Last evaluated: 2020-01-20. Review status: criteria provided, single submitter. Criteria: GeneDx Variant Classification Process June 2021. Collection method: clinical testing. Allele origin: germline. Affected: yes.

NM_020988.3(GNAO1):c.450C>T (p.Asn150=)

Gene: GNAO1 (G protein subunit alpha o1; plus strand). Cytogenetic location: 16q13.
Variant type: single nucleotide variant.
Coding change: c.450C>T on transcript NM_020988.3 (MANE Select); coding-DNA position 450, C replaced by T.
Protein change: p.Asn150=; no amino-acid change (asparagine 150 retained).
Molecular consequence: synonymous variant.
Genome position (GRCh38, 1-based): chr16:56,328,777, C>T. VCF-style: chr16-56328777-C-T. GRCh37 (hg19) VCF-style: chr16-56362689-C-T.
Other names: c.450C>T, p.Asn150= (NM_138736.3).
Identifiers: ClinVar variation 794339 (VCV000794339.49), dbSNP rs185369495, ClinGen allele CA8063757.